The following is an entry in ClinVar:

ClinVar aggregate classification (germline): Uncertain significance (1 of 4 stars; one submission).

Submission:

Mayo Clinic Laboratories, Mayo Clinic
Classification: Uncertain significance. Last evaluated: 2024-05-07. Review status: criteria provided, single submitter. Criteria: ACMG Guidelines, 2015. Collection method: clinical testing. Allele origin: germline. Observed: 1 variant allele.
Comment: PM2_moderate

NM_014846.4(WASHC5):c.2797G>A (p.Ala933Thr)

Genes: WASHC5 (WASH complex subunit 5; minus strand), WASHC5-AS1 (WASHC5 antisense RNA 1; plus strand). Cytogenetic location: 8q24.13.
Variant type: single nucleotide variant.
Coding change: c.2797G>A on transcript NM_014846.4 (MANE Select); coding-DNA position 2797, G replaced by A.
Protein change: p.Ala933Thr; replaces alanine 933 with threonine.
Molecular consequence: missense variant.
Genome position (GRCh38, 1-based): chr8:125,043,878, C>T on the plus strand (G>A on the coding strand, the complement: WASHC5 is on the minus strand). VCF-style: chr8-125043878-C-T. GRCh37 (hg19) VCF-style: chr8-126056120-C-T.
Other names: p.Ala933Thr; c.2353G>A, p.Ala785Thr (NM_001330609.2); short protein forms A785T, A933T.
Identifiers: ClinVar variation 3379833 (VCV003379833.1).